The following is an entry in ClinVar:

NM_014675.5(CROCC):c.1131C>T (p.Arg377=)

Gene: CROCC (ciliary rootlet coiled-coil, rootletin; plus strand). Cytogenetic location: 1p36.13.
Variant type: single nucleotide variant.
Coding change: c.1131C>T on transcript NM_014675.5 (MANE Select); coding-DNA position 1131, C replaced by T.
Protein change: p.Arg377=; no amino-acid change (arginine 377 retained).
Molecular consequence: synonymous variant.
Genome position (GRCh38, 1-based): chr1:16,936,811, C>T. VCF-style: chr1-16936811-C-T. GRCh37 (hg19) VCF-style: chr1-17263306-C-T.
Identifiers: ClinVar variation 2638372 (VCV002638372.24), dbSNP rs370865718, ClinGen allele CA634385.
Genomic context (GRCh38, chr1:16,936,811, plus strand): 5'-GGAGAAACAGGCCCTGCTGCAGGCCCAGCTGGAGGAGCAGCTGCGGGACAAGGTGCTCCG[C>T]GAGAAGGACCTGGCGCAGCAGCAGATGCAAAGCGACCTGGACAAGGCTGACCTCAGTGCC-3'
Protein context (NP_055490.4, residues 367-387): LEEQLRDKVL[Arg377=]EKDLAQQQMQ

ClinVar aggregate classification (germline): Likely benign (1 of 4 stars; one submission).

Allele frequency attached by ClinVar (database versions not stated): gnomAD 0.00001; ESP Exome Variant Server 0.00008; ExAC 0.00009.
gnomAD v4.1: 39 of 1,612,088 alleles (0.0024%); highest among the groups gnomAD compares: South Asian, 0.031%; no homozygotes.

Submission:

CeGaT Center for Human Genetics Tuebingen
Classification: Likely benign. Last evaluated: 2022-11-01. Review status: criteria provided, single submitter. Criteria: CeGaT Center For Human Genetics Tuebingen Variant Classification Criteria Version 2. Collection method: clinical testing. Allele origin: germline. Affected: yes. Observed: 1 variant allele.
Comment: CROCC: BP4, BP7